The following is an entry in ClinVar:

ClinVar aggregate classification (germline): Likely benign (0 of 4 stars; one submission).

Conditions:
CSMD3-related disorder. Also called: CSMD3-related condition.

Allele frequency attached by ClinVar (database versions not stated): gnomAD 0.00003; TOPMed 0.00004; gnomAD exomes 0.00006; ExAC 0.00007.
gnomAD v4.1: 91 of 1,613,344 alleles (0.0056%); highest among the groups gnomAD compares: Middle Eastern, 0.58%; 1 homozygote.

Submission:

PreventionGenetics, part of Exact Sciences
Classification: Likely benign for CSMD3-related condition. Last evaluated: 2019-03-25. Review status: no assertion criteria provided. Collection method: clinical testing. Allele origin: germline.
Comment: This variant is classified as likely benign based on ACMG/AMP sequence variant interpretation guidelines (Richards et al. 2015 PMID: 25741868, with internal and published modifications).

NM_198123.2(CSMD3):c.2514A>G (p.Gly838=)

Gene: CSMD3 (CUB and Sushi multiple domains 3; minus strand). Cytogenetic location: 8q23.3.
Variant type: single nucleotide variant.
Coding change: c.2514A>G on transcript NM_198123.2 (MANE Select); coding-DNA position 2514, A replaced by G.
Protein change: p.Gly838=; no amino-acid change (glycine 838 retained).
Molecular consequence: synonymous variant.
Genome position (GRCh38, 1-based): chr8:112,682,605, T>C on the plus strand (A>G on the coding strand, the complement: CSMD3 is on the minus strand). VCF-style: chr8-112682605-T-C. GRCh37 (hg19) VCF-style: chr8-113694834-T-C.
Other names: c.2124A>G, p.Gly708= (NM_001363185.1); c.2202A>G, p.Gly734= (NM_052900.3); c.2394A>G, p.Gly798= (NM_198124.2).
Identifiers: ClinVar variation 3057640 (VCV003057640.2), dbSNP rs746135818, ClinGen allele CA4850663.